The following is an entry in ClinVar:

ClinVar aggregate classification (germline): Uncertain significance (1 of 4 stars; one submission).

Conditions:
Glanzmann thrombasthenia. Also called: BLEEDING DISORDER, PLATELET-TYPE, 2; THROMBASTHENIA OF GLANZMANN AND NAEGELI; PLATELET GLYCOPROTEIN IIb-IIIa DEFICIENCY; Glanzmann's thrombasthenia; Thrombasthenia. Identifiers: Orphanet 849, MedGen C0040015, MONDO:0100326.

Submission:

Labcorp Genetics (formerly Invitae), Labcorp
Classification: Uncertain significance for Glanzmann thrombasthenia. Last evaluated: 2025-12-08. Review status: criteria provided, single submitter. Criteria: Invitae Variant Classification Sherloc (09022015). Collection method: clinical testing. Allele origin: germline.
Comment: This sequence change replaces proline, which is neutral and non-polar, with arginine, which is basic and polar, at codon 897 of the ITGA2B protein (p.Pro897Arg). This variant is not present in population databases (gnomAD no frequency). This variant has not been reported in the literature in individuals affected with ITGA2B-related conditions. Invitae Evidence Modeling of protein sequence and biophysical properties (such as structural, functional, and spatial information, amino acid conservation, physicochemical variation, residue mobility, and thermodynamic stability) has been performed for this missense variant. However, the output from this modeling did not meet the statistical confidence thresholds required to predict the impact of this variant on ITGA2B protein function. In summary, the available evidence is currently insufficient to determine the role of this variant in disease. Therefore, it has been classified as a Variant of Uncertain Significance.

NM_000419.5(ITGA2B):c.2690C>G (p.Pro897Arg)

Gene: ITGA2B (integrin subunit alpha 2b; minus strand). Cytogenetic location: 17q21.31.
Variant type: single nucleotide variant.
Coding change: c.2690C>G on transcript NM_000419.5 (MANE Select); coding-DNA position 2690, C replaced by G.
Protein change: p.Pro897Arg; replaces proline 897 with arginine.
Molecular consequence: missense variant.
Genome position (GRCh38, 1-based): chr17:44,375,628, G>C on the plus strand (C>G on the coding strand, the complement: ITGA2B is on the minus strand). VCF-style: chr17-44375628-G-C. GRCh37 (hg19) VCF-style: chr17-42452996-G-C.
Other names: short protein forms P897R.
Identifiers: ClinVar variation 4747520 (VCV004747520.1).